The following is an entry in ClinVar:

NM_001330311.2(DVL1):c.769+6G>A

Gene: DVL1 (dishevelled segment polarity protein 1; minus strand). Cytogenetic location: 1p36.33.
Variant type: single nucleotide variant.
Coding change: c.769+6G>A on transcript NM_001330311.2 (MANE Select); 6 bases into the intron after coding-DNA position 769, G replaced by A.
Molecular consequence: intron variant.
Genome position (GRCh38, 1-based): chr1:1,340,241, C>T on the plus strand (G>A on the coding strand, the complement: DVL1 is on the minus strand). VCF-style: chr1-1340241-C-T. GRCh37 (hg19) VCF-style: chr1-1275621-C-T.
Other names: c.769+6G>A (NM_004421.3).
Identifiers: ClinVar variation 3701257 (VCV003701257.2).

ClinVar aggregate classification (germline): Uncertain significance (1 of 4 stars; one submission).

gnomAD v4.1: 3 of 1,613,968 alleles (0.00019%); highest among the groups gnomAD compares: Admixed American, 0.0017%; no homozygotes.

Submission:

Labcorp Genetics (formerly Invitae), Labcorp
Classification: Uncertain significance. Last evaluated: 2024-10-05. Review status: criteria provided, single submitter. Criteria: Invitae Variant Classification Sherloc (09022015). Collection method: clinical testing. Allele origin: germline.
Comment: This sequence change falls in intron 7 of the DVL1 gene. It does not directly change the encoded amino acid sequence of the DVL1 protein. It affects a nucleotide within the consensus splice site. This variant is present in population databases (rs776110236, gnomAD 0.003%). This variant has not been reported in the literature in individuals affected with DVL1-related conditions. Variants that disrupt the consensus splice site are a relatively common cause of aberrant splicing (PMID: 17576681, 9536098). Algorithms developed to predict the effect of sequence changes on RNA splicing suggest that this variant is not likely to affect RNA splicing. In summary, the available evidence is currently insufficient to determine the role of this variant in disease. Therefore, it has been classified as a Variant of Uncertain Significance.

Literature cited by the submitters: PubMed 17576681; PubMed 9536098.